The following is an entry in ClinVar:

ClinVar aggregate classification (germline): Uncertain significance (1 of 4 stars; one submission).

Allele frequency attached by ClinVar (database versions not stated): gnomAD exomes below 0.00001; ExAC 0.00001; TOPMed 0.00001.

Submission:

Labcorp Genetics (formerly Invitae), Labcorp
Classification: Uncertain significance. Last evaluated: 2025-08-23. Review status: criteria provided, single submitter. Criteria: Invitae Variant Classification Sherloc (09022015). Collection method: clinical testing. Allele origin: germline.
Comment: This sequence change replaces histidine, which is basic and polar, with glutamine, which is neutral and polar, at codon 407 of the WFS1 protein (p.His407Gln). This variant is present in population databases (rs774203818, gnomAD 0.002%). This variant has not been reported in the literature in individuals affected with WFS1-related conditions. ClinVar contains an entry for this variant (Variation ID: 2172421). Invitae Evidence Modeling of protein sequence and biophysical properties (such as structural, functional, and spatial information, amino acid conservation, physicochemical variation, residue mobility, and thermodynamic stability) indicates that this missense variant is not expected to disrupt WFS1 protein function with a negative predictive value of 95%. In summary, the available evidence is currently insufficient to determine the role of this variant in disease. Therefore, it has been classified as a Variant of Uncertain Significance.

NM_006005.3(WFS1):c.1221T>G (p.His407Gln)

Gene: WFS1 (wolframin ER transmembrane glycoprotein; plus strand). Cytogenetic location: 4p16.1.
Variant type: single nucleotide variant.
Coding change: c.1221T>G on transcript NM_006005.3 (MANE Select); coding-DNA position 1221, T replaced by G.
Protein change: p.His407Gln; replaces histidine 407 with glutamine.
Molecular consequence: missense variant.
Genome position (GRCh38, 1-based): chr4:6,301,016, T>G. VCF-style: chr4-6301016-T-G. GRCh37 (hg19) VCF-style: chr4-6302743-T-G.
Other names: c.1221T>G, p.His407Gln (NM_001145853.1); short protein forms H407Q.
Identifiers: ClinVar variation 2172421 (VCV002172421.4), dbSNP rs774203818, ClinGen allele CA2839267.